The following is an entry in ClinVar:

ClinVar aggregate classification (germline): Uncertain significance (1 of 4 stars; one submission).

Conditions:
Neurofibromatosis, type 1 (NF1). Also called: Peripheral type neurofibromatosis; Neurofibromatosis, type I; VON RECKLINGHAUSEN DISEASE; NEUROFIBROMATOSIS, TYPE I, SOMATIC. Identifiers: Orphanet 636, MedGen C0027831, MONDO:0018975, OMIM 162200. Disease mechanism: loss of function.

Submission:

Labcorp Genetics (formerly Invitae), Labcorp
Classification: Uncertain significance for Neurofibromatosis, type 1. Last evaluated: 2019-03-12. Review status: criteria provided, single submitter. Criteria: Invitae Variant Classification Sherloc (09022015). Collection method: clinical testing. Allele origin: germline.
Comment: This sequence change replaces isoleucine with asparagine at codon 500 of the NF1 protein (p.Ile500Asn). The isoleucine residue is moderately conserved and there is a large physicochemical difference between isoleucine and asparagine. In summary, the available evidence is currently insufficient to determine the role of this variant in disease. Therefore, it has been classified as a Variant of Uncertain Significance. Algorithms developed to predict the effect of missense changes on protein structure and function are either unavailable or do not agree on the potential impact of this missense change (SIFT: "Tolerated"; PolyPhen-2: "Probably Damaging"; Align-GVGD: "Class C0"). This variant has not been reported in the literature in individuals with NF1-related conditions. This variant is not present in population databases (ExAC no frequency).

NM_001042492.3(NF1):c.1499T>A (p.Ile500Asn)

Gene: NF1 (neurofibromin 1; plus strand). Cytogenetic location: 17q11.2.
Variant type: single nucleotide variant.
Coding change: c.1499T>A on transcript NM_001042492.3 (MANE Select); coding-DNA position 1499, T replaced by A.
Protein change: p.Ile500Asn; replaces isoleucine 500 with asparagine.
Molecular consequence: missense variant.
Genome position (GRCh38, 1-based): chr17:31,214,557, T>A. VCF-style: chr17-31214557-T-A. GRCh37 (hg19) VCF-style: chr17-29541575-T-A.
Other names: c.1499T>A, p.Ile500Asn (NM_001128147.3, NM_000267.4); short protein forms I500N.
Identifiers: ClinVar variation 835342 (VCV000835342.6), dbSNP rs2066787362, ClinGen allele CA399001645.
Genomic context (GRCh38, chr17:31,214,557, plus strand): 5'-AACCTACAGACCTGGAGACAAGAAGCTATAAGTATCTTCTCTTGTCCATGGTGAAACTAA[T>A]TCATGCAGATCCAAAGCTCTTGCTTTGTGTAAGTATTTTTTTATGAAATGTCTCAAAATT-3'
Protein context (NP_001035957.1, residues 490-510): KYLLLSMVKL[Ile500Asn]HADPKLLLCN